The following is an entry in ClinVar:

NM_003105.6(SORL1):c.835C>T (p.Arg279Ter)

Gene: SORL1 (sortilin related receptor 1; plus strand). Cytogenetic location: 11q24.1.
Variant type: single nucleotide variant.
Coding change: c.835C>T on transcript NM_003105.6 (MANE Select); coding-DNA position 835, C replaced by T.
Protein change: p.Arg279Ter; replaces arginine 279 with a stop codon.
Molecular consequence: nonsense.
Genome position (GRCh38, 1-based): chr11:121,496,945, C>T. VCF-style: chr11-121496945-C-T. GRCh37 (hg19) VCF-style: chr11-121367654-C-T.
Other names: short protein forms R279*.
Identifiers: ClinVar variation 4751050 (VCV004751050.1).

ClinVar aggregate classification (germline): Pathogenic (1 of 4 stars; one submission).

gnomAD v4.1: 15 of 1,613,900 alleles (0.00093%); highest among the groups gnomAD compares: Non-Finnish European, 0.0013%; no homozygotes.

Submission:

Labcorp Genetics (formerly Invitae), Labcorp
Classification: Pathogenic. Last evaluated: 2025-10-26. Review status: criteria provided, single submitter. Criteria: Invitae Variant Classification Sherloc (09022015). Collection method: clinical testing. Allele origin: germline.
Comment: This sequence change creates a premature translational stop signal (p.Arg279*) in the SORL1 gene. It is expected to result in an absent or disrupted protein product. Loss-of-function variants in SORL1 are known to be pathogenic (PMID: 26303663, 27026413). This variant is present in population databases (no rsID available, gnomAD 0.002%). This premature translational stop signal has been observed in individual(s) with Alzheimer disease (PMID: 30009200). For these reasons, this variant has been classified as Pathogenic.

Literature cited by the submitters: PubMed 26303663; PubMed 27026413; PubMed 30009200.